The following is an entry in ClinVar:

ClinVar aggregate classification (germline): Benign. Review status: criteria provided, single submitter (1 of 4 stars). 2 submissions from 2 submitters: Benign (1). 1 of the submissions does not count toward it. Last evaluated 2025-08-11.

Conditions:
ITM2B-related disorder. Also called: ITM2B-related condition.

Allele frequency attached by ClinVar (database versions not stated): gnomAD exomes 0.00002 and 0.00012; TOPMed 0.00003; gnomAD 0.00004 and 0.00005; ExAC 0.00007.
gnomAD v4.1: 35 of 1,612,012 alleles (0.0022%); highest among the groups gnomAD compares: East Asian, 0.071%; no homozygotes.

Submissions (2):

Labcorp Genetics (formerly Invitae), Labcorp
Classification: Benign. Last evaluated: 2025-08-11. Review status: criteria provided, single submitter. Criteria: Invitae Variant Classification Sherloc (09022015). Collection method: clinical testing. Allele origin: germline.

PreventionGenetics, part of Exact Sciences
Classification: Likely benign for ITM2B-related condition. Last evaluated: 2023-04-11. Review status: no assertion criteria provided. Collection method: clinical testing. Allele origin: germline. Not counted in ClinVar's aggregate classification.
Comment: This variant is classified as likely benign based on ACMG/AMP sequence variant interpretation guidelines (Richards et al. 2015 PMID: 25741868, with internal and published modifications).

NM_021999.5(ITM2B):c.240A>T (p.Ala80=)

Gene: ITM2B (integral membrane protein 2B; plus strand). Cytogenetic location: 13q14.2.
Variant type: single nucleotide variant.
Coding change: c.240A>T on transcript NM_021999.5 (MANE Select); coding-DNA position 240, A replaced by T.
Protein change: p.Ala80=; no amino-acid change (alanine 80 retained).
Molecular consequence: synonymous variant.
Genome position (GRCh38, 1-based): chr13:48,253,930, A>T. VCF-style: chr13-48253930-A-T. GRCh37 (hg19) VCF-style: chr13-48828066-A-T.
Other names: c.240A>T (NM_021999.4).
Identifiers: ClinVar variation 1638944 (VCV001638944.10), dbSNP rs755757477, ClinGen allele CA6978719.